The following is an entry in ClinVar:

ClinVar aggregate classification (germline): Pathogenic (1 of 4 stars; one submission).

Submission:

GeneDx
Classification: Pathogenic. Last evaluated: 2023-09-05. Review status: criteria provided, single submitter. Criteria: GeneDx Variant Classification Process June 2021. Collection method: clinical testing. Allele origin: germline. Affected: yes.
Comment: Has not been previously published as pathogenic or benign to our knowledge; Not observed at significant frequency in large population cohorts (gnomAD); Frameshift variant predicted to result in protein truncation or nonsense mediated decay in a gene for which loss-of-function is a known mechanism of disease

NM_000501.4(ELN):c.1431dup (p.Gly478fs)

Genes: ELN (elastin; plus strand), ELN-AS1 (ELN antisense RNA 1; minus strand). Cytogenetic location: 7q11.23.
Variant type: Duplication.
Coding change: c.1431dup on transcript NM_000501.4 (MANE Select); coding-DNA position 1431, one base duplicated (C; older notation c.1431dupC).
Protein change: p.Gly478fs; shifts the reading frame from glycine 478.
Molecular consequence: frameshift variant. On other transcripts: non-coding transcript variant (1).
Genome position (GRCh38, 1-based): chr7:74,059,902, C duplicated. VCF-style (leftmost placement, unchanged base first): chr7-74059901-T-TC. GRCh37 (hg19) VCF-style: chr7-73474231-T-TC.
Other names: c.1344dup, p.Gly449fs (NM_001081752.3); c.1389dup, p.Gly464fs (NM_001081753.3); c.1446dup, p.Gly483fs (NM_001081754.3); c.1374dup, p.Gly459fs (NM_001081755.3); c.1431dup, p.Gly478fs (NM_001278912.2); c.1188dup, p.Gly397fs (NM_001278913.2); c.1359dup, p.Gly454fs (NM_001278914.2); c.1449dup, p.Gly484fs (NM_001278915.2); and 4 more; short protein forms G389fs, G397fs, G445fs, G449fs, G454fs, G459fs, G464fs, G468fs.
Identifiers: ClinVar variation 2579635 (VCV002579635.1), dbSNP rs2486276420, ClinGen allele CA2580617884.
Genomic context (GRCh38, chr7:74,059,901, plus strand): 5'-TTTGATCAGGTCTTGGTTAATGATCAGCTCTTCTCAATCTTGCAGGGTTAGTTCCTGGTG[T>TC]CGGCGTGGCTCCTGGAGTTGGCGTGGCTCCTGGTGTCGGTGTGGCTCCTGGAGTTGGCTT-3'